The following is an entry in ClinVar:

ClinVar aggregate classification (germline): Conflicting classifications of pathogenicity. Review status: criteria provided, conflicting classifications (1 of 4 stars). 4 submissions from 4 submitters: Uncertain significance (1); Likely benign (3). Last evaluated 2025-08-22.

Conditions:
Frontotemporal dementia and/or amyotrophic lateral sclerosis 6 (FTDALS6). Also called: VCP-Related Amyotrophic Lateral Sclerosis; VCP-Related Amyotrophic Lateral Sclerosis/Frontotemporal Dementia. Identifiers: Orphanet 275872, Orphanet 803, MedGen C5436279, MONDO:0013501, OMIM 613954.
Inclusion body myopathy with Paget disease of bone and frontotemporal dementia. Also called: Inclusion body myopathy with early-onset Paget disease and frontotemporal dementia. Identifiers: Orphanet 52430, MedGen C1833662, MONDO:0000507.
VCP-related disorder. Also called: VCP-related condition; VCP-related disorders.

Allele frequency attached by ClinVar (database versions not stated): gnomAD exomes 0.00005; ExAC 0.00006; gnomAD 0.00017 and 0.00018; TOPMed 0.00022; ESP Exome Variant Server 0.00023.
gnomAD v4.1: 71 of 1,613,972 alleles (0.0044%); highest among the groups gnomAD compares: African/African-American, 0.061%; no homozygotes.

Submissions (4):

Labcorp Genetics (formerly Invitae), Labcorp
Classification: Likely benign for Inclusion body myopathy with Paget disease of bone and frontotemporal dementia; Frontotemporal dementia and/or amyotrophic lateral sclerosis 6. Last evaluated: 2025-08-22. Review status: criteria provided, single submitter. Criteria: Invitae Variant Classification Sherloc (09022015). Collection method: clinical testing. Allele origin: germline.

PreventionGenetics, part of Exact Sciences
Classification: Likely benign for VCP-related condition. Last evaluated: 2025-02-15. Review status: criteria provided, single submitter. Criteria: ACMG Guidelines, 2015. Collection method: clinical testing. Allele origin: germline.
Comment: This variant is classified as likely benign based on ACMG/AMP sequence variant interpretation guidelines (Richards et al. 2015 PMID: 25741868, with internal and published modifications).

Blueprint Genetics
Classification: Likely benign. Last evaluated: 2022-12-13. Review status: criteria provided, single submitter. Criteria: ACMG Guidelines, 2015. Collection method: clinical testing. Allele origin: germline.

Eurofins Ntd Llc (ga)
Classification: Uncertain significance. Last evaluated: 2018-05-15. Review status: criteria provided, single submitter. Criteria: EGL ClinVar v180209 classification definitions. Collection method: clinical testing. Allele origin: germline. Observed: 4 variant alleles, 4 heterozygotes.

NM_007126.5(VCP):c.954C>T (p.Gly318=)

Gene: VCP (valosin containing protein; minus strand). Cytogenetic location: 9p13.3.
Variant type: single nucleotide variant.
Coding change: c.954C>T on transcript NM_007126.5 (MANE Select); coding-DNA position 954, C replaced by T.
Protein change: p.Gly318=; no amino-acid change (glycine 318 retained).
Molecular consequence: synonymous variant.
Genome position (GRCh38, 1-based): chr9:35,062,130, G>A on the plus strand (C>T on the coding strand, the complement: VCP is on the minus strand). VCF-style: chr9-35062130-G-A. GRCh37 (hg19) VCF-style: chr9-35062127-G-A.
Other names: c.819C>T, p.Gly273= (NM_001354927.2, NM_001354928.2).
Identifiers: ClinVar variation 287400 (VCV000287400.14), dbSNP rs377316335, ClinGen allele CA5039344.